The following is an entry in ClinVar:

NM_001975.3(ENO2):c.409C>T (p.Leu137=)

Gene: ENO2 (enolase 2; plus strand). Cytogenetic location: 12p13.31.
Variant type: single nucleotide variant.
Coding change: c.409C>T on transcript NM_001975.3 (MANE Select); coding-DNA position 409, C replaced by T.
Protein change: p.Leu137=; no amino-acid change (leucine 137 retained).
Molecular consequence: synonymous variant.
Genome position (GRCh38, 1-based): chr12:6,917,679, C>T. VCF-style: chr12-6917679-C-T. GRCh37 (hg19) VCF-style: chr12-7026843-C-T.
Identifiers: ClinVar variation 3058560 (VCV003058560.2), dbSNP rs781987595, ClinGen allele CA6419986.

ClinVar aggregate classification (germline): Likely benign (0 of 4 stars; one submission).

Conditions:
ENO2-related disorder. Also called: ENO2-related condition.

Allele frequency attached by ClinVar (database versions not stated): ExAC 0.00001; gnomAD 0.00001; gnomAD exomes 0.00001; TOPMed 0.00006.
gnomAD v4.1: 14 of 1,525,348 alleles (0.00092%); highest among the groups gnomAD compares: Admixed American, 0.0035%; no homozygotes.

Submission:

PreventionGenetics, part of Exact Sciences
Classification: Likely benign for ENO2-related condition. Last evaluated: 2019-02-26. Review status: no assertion criteria provided. Collection method: clinical testing. Allele origin: germline.
Comment: This variant is classified as likely benign based on ACMG/AMP sequence variant interpretation guidelines (Richards et al. 2015 PMID: 25741868, with internal and published modifications).